The following is an entry in ClinVar:

NM_033004.4(NLRP1):c.121A>G (p.Thr41Ala)

Gene: NLRP1 (NLR family pyrin domain containing 1; minus strand). Cytogenetic location: 17p13.2.
Variant type: single nucleotide variant.
Coding change: c.121A>G on transcript NM_033004.4 (MANE Select); coding-DNA position 121, A replaced by G.
Protein change: p.Thr41Ala; replaces threonine 41 with alanine.
Molecular consequence: missense variant.
Genome position (GRCh38, 1-based): chr17:5,583,837, T>C on the plus strand (A>G on the coding strand, the complement: NLRP1 is on the minus strand). VCF-style: chr17-5583837-T-C. GRCh37 (hg19) VCF-style: chr17-5487157-T-C.
Other names: c.121A>G, p.Thr41Ala (NM_001033053.3, NM_014922.5, NM_033006.4 and 1 more transcripts); short protein forms T41A.
Identifiers: ClinVar variation 2868732 (VCV002868732.3), dbSNP rs200920244, ClinGen allele CA287293621.

ClinVar aggregate classification (germline): Uncertain significance (1 of 4 stars; one submission).

Allele frequency attached by ClinVar (database versions not stated): TOPMed below 0.00001; gnomAD 0.00001; gnomAD exomes 0.00001.
gnomAD v4.1: 15 of 1,567,696 alleles (0.00096%); highest among the groups gnomAD compares: Non-Finnish European, 0.0012%; no homozygotes.

Submission:

Labcorp Genetics (formerly Invitae), Labcorp
Classification: Uncertain significance. Last evaluated: 2023-05-29. Review status: criteria provided, single submitter. Criteria: Invitae Variant Classification Sherloc (09022015). Collection method: clinical testing. Allele origin: germline.
Comment: In summary, the available evidence is currently insufficient to determine the role of this variant in disease. Therefore, it has been classified as a Variant of Uncertain Significance. Algorithms developed to predict the effect of missense changes on protein structure and function output the following: SIFT: "Not Available"; PolyPhen-2: "Benign"; Align-GVGD: "Not Available". The alanine amino acid residue is found in multiple mammalian species, which suggests that this missense change does not adversely affect protein function. This variant has not been reported in the literature in individuals affected with NLRP1-related conditions. This variant is not present in population databases (gnomAD no frequency). This sequence change replaces threonine, which is neutral and polar, with alanine, which is neutral and non-polar, at codon 41 of the NLRP1 protein (p.Thr41Ala).